The following is an entry in ClinVar:

NC_000017.10:g.(?_17116963)_(17131457_?)dup

Gene: FLCN (folliculin; minus strand). Cytogenetic location: 17p11.2.
Variant type: Duplication.
Identifiers: ClinVar variation 530023 (VCV000530023.1).

ClinVar aggregate classification (germline): Uncertain significance (1 of 4 stars; one submission).

Conditions:
Birt-Hogg-Dube syndrome. Also called: Birt Hogg Dubé syndrome. Identifiers: Orphanet 122, MedGen C0346010, MONDO:0800444.

Submission:

Labcorp Genetics (formerly Invitae), Labcorp
Classification: Uncertain significance for Multiple fibrofolliculomas. Last evaluated: 2018-03-19. Review status: criteria provided, single submitter. Criteria: Invitae Variant Classification Sherloc (09022015). Collection method: clinical testing. Allele origin: germline.
Comment: A gross duplication of the genomic region encompassing the full coding sequence of the FLCN gene has been identified. The boundaries of this event are unknown as the duplication extends beyond the assayed region for this gene and therefore may encompass additional genes. As the precise location of this duplication is unknown, it may be in tandem or it may be located elsewhere in the genome. This copy number variant has not been reported in the literature in individuals with FLCN-related disease. Experimental studies are not available for this duplciation, and the functional significance of an extra copy of the FLCN gene is currently unknown. In summary, the available evidence is currently insufficient to determine the role of this variant in disease. Therefore, it has been classified as a Variant of Uncertain Significance.